The following is an entry in ClinVar:

ClinVar aggregate classification (germline): Uncertain significance (1 of 4 stars; one submission).

Conditions:
Arrhythmogenic right ventricular dysplasia 9 (ARVD9). Also called: Arrhythmogenic Right Ventricular Dysplasia/Cardiomyopathy 9; ARRHYTHMOGENIC RIGHT VENTRICULAR DYSPLASIA, FAMILIAL, 9. Identifiers: MedGen C1836906, MONDO:0012180, OMIM 609040.

Submission:

Labcorp Genetics (formerly Invitae), Labcorp
Classification: Uncertain significance for Arrhythmogenic right ventricular dysplasia 9. Last evaluated: 2022-03-19. Review status: criteria provided, single submitter. Criteria: Invitae Variant Classification Sherloc (09022015). Collection method: clinical testing. Allele origin: germline.
Comment: This variant has not been reported in the literature in individuals affected with PKP2-related conditions. In summary, the available evidence is currently insufficient to determine the role of this variant in disease. Therefore, it has been classified as a Variant of Uncertain Significance. Algorithms developed to predict the effect of missense changes on protein structure and function are either unavailable or do not agree on the potential impact of this missense change (SIFT: "Tolerated"; PolyPhen-2: "Possibly Damaging"; Align-GVGD: "Class C0"). ClinVar contains an entry for this variant (Variation ID: 1055610). This variant is not present in population databases (gnomAD no frequency). This sequence change replaces glutamine, which is neutral and polar, with glutamic acid, which is acidic and polar, at codon 59 of the PKP2 protein (p.Gln59Glu).

NM_001005242.3(PKP2):c.175C>G (p.Gln59Glu)

Gene: PKP2 (plakophilin 2; minus strand). Cytogenetic location: 12p11.21.
Variant type: single nucleotide variant.
Coding change: c.175C>G on transcript NM_001005242.3 (MANE Select); coding-DNA position 175, C replaced by G.
Protein change: p.Gln59Glu; replaces glutamine 59 with glutamic acid.
Molecular consequence: missense variant.
Genome position (GRCh38, 1-based): chr12:32,896,557, G>C on the plus strand (C>G on the coding strand, the complement: PKP2 is on the minus strand). VCF-style: chr12-32896557-G-C. GRCh37 (hg19) VCF-style: chr12-33049491-G-C.
Other names: c.175C>G, p.Gln59Glu (NM_004572.4); short protein forms Q59E.
Identifiers: ClinVar variation 1055610 (VCV001055610.10), dbSNP rs1957126844, ClinGen allele CA384370887.